The following is an entry in ClinVar:

NM_144573.4(NEXN):c.984del (p.Ala329fs)

Gene: NEXN (nexilin F-actin binding protein; plus strand). Cytogenetic location: 1p31.1.
Variant type: Deletion.
Coding change: c.984del on transcript NM_144573.4 (MANE Select); coding-DNA position 984, one base deleted (A; older notation c.984delA).
Protein change: p.Ala329fs; shifts the reading frame from alanine 329.
Molecular consequence: frameshift variant.
Genome position (GRCh38, 1-based): chr1:77,929,435, A deleted; the last of 3 consecutive A bases (chr1:77,929,433-77,929,435); deleting any one gives the same sequence. VCF-style (leftmost placement, unchanged base first): chr1-77929432-GA-G. GRCh37 (hg19) VCF-style: chr1-78395117-GA-G.
Other names: c.792del, p.Ala265fs (NM_001172309.2); short protein forms A329fs, A265fs.
Identifiers: ClinVar variation 3404567 (VCV003404567.1).

ClinVar aggregate classification (germline): Uncertain significance (1 of 4 stars; one submission).

Conditions:
Cardiovascular phenotype. Identifiers: MedGen CN230736.

Submission:

Ambry Genetics
Classification: Uncertain significance for Cardiovascular phenotype. Last evaluated: 2024-11-21. Review status: criteria provided, single submitter. Criteria: Ambry Variant Classification Scheme 2023. Collection method: clinical testing. Allele origin: germline.
Comment: The c.984delA variant, located in coding exon 8 of the NEXN gene, results from a deletion of one nucleotide at nucleotide position 984, causing a translational frameshift with a predicted alternate stop codon (p.A329Qfs*9). This alteration is expected to result in loss of function by premature protein truncation or nonsense-mediated mRNA decay. Although biallelic loss of function of NEXN has been associated with autosomal recessive NEXN-related cardiomyopathy, haploinsufficiency of NEXN has not been established as a mechanism of disease for autosomal dominant NEXN-related cardiomyopathy. Based on the supporting evidence, this variant is expected to be causative of autosomal recessive NEXN-related cardiomyopathy when present along with a second pathogenic variant on the other allele; however, its clinical significance for autosomal dominant NEXN-related cardiomyopathy is unclear.